The following is an entry in ClinVar:

NM_002439.5(MSH3):c.2909C>T (p.Ser970Phe)

Gene: MSH3 (mutS homolog 3; plus strand). Cytogenetic location: 5q14.1.
Variant type: single nucleotide variant.
Coding change: c.2909C>T on transcript NM_002439.5 (MANE Select); coding-DNA position 2909, C replaced by T.
Protein change: p.Ser970Phe; replaces serine 970 with phenylalanine.
Molecular consequence: missense variant.
Genome position (GRCh38, 1-based): chr5:80,854,225, C>T. VCF-style: chr5-80854225-C-T. GRCh37 (hg19) VCF-style: chr5-80150044-C-T.
Other names: short protein forms S970F.
Identifiers: ClinVar variation 5024794 (VCV005024794.1).

ClinVar aggregate classification (germline): Uncertain significance (1 of 4 stars; one submission).

Conditions:
Hereditary cancer-predisposing syndrome. Also called: Neoplastic Syndromes, Hereditary; Tumor predisposition; Hereditary neoplastic syndrome; Hereditary Cancer Syndrome. Identifiers: Orphanet 140162, MedGen C0027672, MeSH D009386, MONDO:0015356.

Submission:

Ambry Genetics
Classification: Uncertain significance for Hereditary cancer-predisposing syndrome. Last evaluated: 2026-07-07. Review status: criteria provided, single submitter. Criteria: Ambry Variant Classification Scheme 2023. Collection method: clinical testing. Allele origin: germline.
Comment: The p.S970F variant (also known as c.2909C>T), located in coding exon 21 of the MSH3 gene, results from a C to T substitution at nucleotide position 2909. The serine at codon 970 is replaced by phenylalanine, an amino acid with highly dissimilar properties. This amino acid position is conserved. In addition, this alteration is predicted to be deleterious by in silico analysis. Based on the available evidence, the clinical significance of this variant remains unclear.